The following is an entry in ClinVar:

ClinVar aggregate classification (germline): Uncertain significance (1 of 4 stars; one submission).

Conditions:
Cataract 1 multiple types. Also called: CATARACT, DUFFY-LINKED; CATARACT 1, POSTERIOR SUBCAPSULAR, WITH MICROCORNEA; CATARACT 1, STELLATE NUCLEAR, WITH MICROCORNEA; CATARACT 1, MULTIPLE TYPES, WITH OR WITHOUT MICROCORNEA; CATARACT 1, NUCLEAR PROGRESSIVE; CATARACT 1 WITH MICROCORNEA. Identifiers: Orphanet 1377, MedGen C1861828, MONDO:0007285, OMIM 116200.

Submission:

Dept. Genetics and Cancer, Menzies Institute for Medical Research, University of Tasmania
Classification: Uncertain significance for Cataract 1 multiple types. Last evaluated: 2023-01-21. Review status: criteria provided, single submitter. Criteria: ACMG Guidelines, 2015. Collection method: curation. Allele origin: germline. Affected: yes.
Comment: Variant identified and curated during a GJA8 specific review of the literature in relation to pediatric or congenital cataract. ACMG-AMP criteria applied: PVS1(Strong), PM2(Supporting), BP4. Original variant report: PMID:36262071. The cataract phenotype reported for this variant is: Nuclear. Note: family with two GJA8 variants; compound heterozygous variants inherited together in two affected siblings, mother carries c.855delG variant and father carries c.1125delC variant and has mild nuclear cataract. Gene review and curation guidelines are outlined in: DOI 10.1080/17469899.2023.2160320

Literature cited by the submitters: PubMed 36262071.

NM_005267.5(GJA8):c.855del (p.Met286fs)

Gene: GJA8 (gap junction protein alpha 8; plus strand). Cytogenetic location: 1q21.2.
Variant type: Deletion.
Coding change: c.855del on transcript NM_005267.5 (MANE Select); coding-DNA position 855, one base deleted (G; older notation c.855delG).
Protein change: p.Met286fs; shifts the reading frame from methionine 286.
Molecular consequence: frameshift variant.
Genome position (GRCh38, 1-based): chr1:147,908,810, G deleted; the last of 3 consecutive G bases (chr1:147,908,808-147,908,810); deleting any one gives the same sequence. VCF-style (leftmost placement, unchanged base first): chr1-147908807-TG-T. GRCh37 (hg19) VCF-style: chr1-147380934-TG-T.
Other names: short protein forms M286fs.
Identifiers: ClinVar variation 3253674 (VCV003253674.1), dbSNP rs1553242865.
Genomic context (GRCh38, chr1:147,908,807, plus strand): 5'-GGGCTATCAGCTCCTAGAAGAAGAGAAAATCGTTTCCCACTATTTCCCCTTGACCGAGGT[TG>T]GGATGGTGGAGACCAGCCCACTGCCTGCCAAGCCTTTCAATCAGTTCGAGGAGAAGATCA-3'